The following is an entry in ClinVar:

NM_003104.6(SORD):c.696C>T (p.Ile232=)

Gene: SORD (sorbitol dehydrogenase; plus strand). Cytogenetic location: 15q21.1.
Variant type: single nucleotide variant.
Coding change: c.696C>T on transcript NM_003104.6 (MANE Select); coding-DNA position 696, C replaced by T.
Protein change: p.Ile232=; no amino-acid change (isoleucine 232 retained).
Molecular consequence: synonymous variant. On other transcripts: non-coding transcript variant (1).
Genome position (GRCh38, 1-based): chr15:45,068,962, C>T. VCF-style: chr15-45068962-C-T. GRCh37 (hg19) VCF-style: chr15-45361160-C-T.
Identifiers: ClinVar variation 2498610 (VCV002498610.28), dbSNP rs144635546, ClinGen allele CA7537285.

ClinVar aggregate classification (germline): Likely benign (1 of 4 stars; one submission).

Allele frequency attached by ClinVar (database versions not stated): 1000 Genomes Project 30x 0.00109; 1000 Genomes Project 0.00120; gnomAD exomes 0.00122; gnomAD 0.00126; ESP Exome Variant Server 0.00169; ExAC 0.00292.
gnomAD v4.1: 2,086 of 1,602,222 alleles (0.13%); highest among the groups gnomAD compares: South Asian, 0.52%; 15 homozygotes.

Submission:

CeGaT Center for Human Genetics Tuebingen
Classification: Likely benign. Last evaluated: 2023-03-01. Review status: criteria provided, single submitter. Criteria: CeGaT Center For Human Genetics Tuebingen Variant Classification Criteria Version 2. Collection method: clinical testing. Allele origin: germline. Affected: yes. Observed: 1 variant allele.
Comment: SORD: BP4, BP7, BS2